The following is an entry in ClinVar:

ClinVar aggregate classification (germline): Likely benign. Review status: criteria provided, multiple submitters, no conflicts (2 of 4 stars). 2 submissions from 2 submitters: Likely benign (2). Last evaluated 2021-09-11.

Conditions:
ALDH18A1-related de Barsy syndrome. Also called: Cutis laxa, autosomal recessive IIIA; DE BARSY SYNDROME A. Identifiers: Orphanet 2962, Orphanet 35664, MedGen C5234852, MONDO:0009053, OMIM 219150.

Allele frequency attached by ClinVar (database versions not stated): TOPMed 0.00325; 1000 Genomes Project 0.00359; 1000 Genomes Project 30x 0.00375.

Submissions (2):

GeneDx
Classification: Likely benign. Last evaluated: 2021-09-11. Review status: criteria provided, single submitter. Criteria: GeneDx Variant Classification Process June 2021. Collection method: clinical testing. Allele origin: germline. Affected: yes.

Illumina Laboratory Services, Illumina
Classification: Likely benign for ALDH18A1-related de Barsy syndrome. Last evaluated: 2018-01-13. Review status: criteria provided, single submitter. Criteria: ICSL Variant Classification Criteria 13 December 2019. Collection method: clinical testing. Allele origin: germline.
Comment: This variant was observed in the ICSL laboratory as part of a predisposition screen in an ostensibly healthy population. It had not been previously curated by ICSL or reported in the Human Gene Mutation Database (HGMD: prior to June 1st, 2018), and was therefore a candidate for classification through an automated scoring system. Utilizing variant allele frequency, disease prevalence and penetrance estimates, and inheritance mode, an automated score was calculated to assess if this variant is too frequent to cause the disease. Based on the score and internal cut-off values, a variant classified as likely benign is not then subjected to further curation. The score for this variant resulted in a classification of likely benign for this disease.

NM_002860.4(ALDH18A1):c.-120A>G

Gene: ALDH18A1 (aldehyde dehydrogenase 18 family member A1; minus strand). Cytogenetic location: 10q24.1.
Variant type: single nucleotide variant.
Coding change: c.-120A>G on transcript NM_002860.4 (MANE Select); 120 bases upstream of the start codon, A replaced by G.
Molecular consequence: 5 prime UTR variant.
Genome position (GRCh38, 1-based): chr10:95,656,688, T>C on the plus strand (A>G on the coding strand, the complement: ALDH18A1 is on the minus strand). VCF-style: chr10-95656688-T-C. GRCh37 (hg19) VCF-style: chr10-97416445-T-C.
Other names: c.-120A>G (NM_001017423.2, NM_001323417.2); c.-238A>G (NM_001323412.2); c.-271A>G (NM_001323413.2, NM_001323415.2); c.-428A>G (NM_001323414.2); c.-389A>G (NM_001323416.2, NM_001323418.2); c.-286A>G (NM_001323419.2).
Identifiers: ClinVar variation 301782 (VCV000301782.6), dbSNP rs181772739, ClinGen allele CA10629544.
Genomic context (GRCh38, chr10:95,656,688, plus strand): 5'-CACTACCGCGGGTCCGCACTCCACGCCGGGCTGATTCCGGCGCTCGCTCACTCTCTTTTT[T>C]CTTCCGTCCACGTCCCGCACGATGACGTTACGTCAGTGGCGTAAGAGTAAACCTGGGCAG-3'